The following is an entry in ClinVar:

ClinVar aggregate classification (germline): Uncertain significance. Review status: criteria provided, multiple submitters, no conflicts (2 of 4 stars). 6 submissions from 6 submitters: Uncertain significance (5). 1 of the submissions does not count toward it. Last evaluated 2025-06-06.

Conditions:
Retinitis pigmentosa 80 (RP80). Identifiers: MedGen C4540439, MONDO:0054708, OMIM 617781.
Saldino-Mainzer syndrome (SRTD9). Also called: CONORENAL SYNDROME; Renal dysplasia, retinal pigmentary dystrophy, cerebellar ataxia and skeletal dysplasia; short-rib thoracic dysplasia 9 with or without polydactyly; SHORT-RIB THORACIC DYSPLASIA 9 WITHOUT POLYDACTYLY. Identifiers: Orphanet 140969, MedGen C1849437, MONDO:0009964, OMIM 266920.
Inborn genetic diseases. Identifiers: MedGen C0950123, MeSH D030342.
Retinal dystrophy. Also called: Inherited retinal dystrophy. Identifiers: Orphanet 71862, MedGen C0854723, MeSH D058499, MONDO:0019118, HP:0000556.

Allele frequency attached by ClinVar (database versions not stated): gnomAD 0.00002 and 0.00003; gnomAD exomes 0.00003 and 0.00001; TOPMed 0.00003; 1000 Genomes Project 30x 0.00016; 1000 Genomes Project 0.00020; ExAC 0.00002.
gnomAD v4.1: 26 of 1,614,116 alleles (0.0016%); highest among the groups gnomAD compares: Admixed American, 0.013%; no homozygotes.

Submissions (6):

Ambry Genetics
Classification: Uncertain significance for Inborn genetic diseases. Last evaluated: 2025-06-06. Review status: criteria provided, single submitter. Criteria: Ambry Variant Classification Scheme 2023. Collection method: clinical testing. Allele origin: germline.

Blueprint Genetics
Classification: Uncertain significance. Last evaluated: 2024-08-06. Review status: criteria provided, single submitter. Criteria: ACMG Guidelines, 2015. Collection method: clinical testing. Allele origin: germline.

Fulgent Genetics
Classification: Uncertain significance for Saldino-Mainzer syndrome; Retinitis pigmentosa 80. Last evaluated: 2024-04-19. Review status: criteria provided, single submitter. Criteria: ACMG Guidelines, 2015. Collection method: clinical testing. Allele origin: germline.

Labcorp Genetics (formerly Invitae), Labcorp
Classification: Uncertain significance for Saldino-Mainzer syndrome. Last evaluated: 2022-10-23. Review status: criteria provided, single submitter. Criteria: Invitae Variant Classification Sherloc (09022015). Collection method: clinical testing. Allele origin: germline.
Comment: This sequence change replaces proline, which is neutral and non-polar, with leucine, which is neutral and non-polar, at codon 12 of the IFT140 protein (p.Pro12Leu). This variant is present in population databases (rs542803163, gnomAD 0.006%). This variant has not been reported in the literature in individuals affected with IFT140-related conditions. ClinVar contains an entry for this variant (Variation ID: 998952). Advanced modeling of protein sequence and biophysical properties (such as structural, functional, and spatial information, amino acid conservation, physicochemical variation, residue mobility, and thermodynamic stability) performed at Invitae indicates that this missense variant is not expected to disrupt IFT140 protein function. In summary, the available evidence is currently insufficient to determine the role of this variant in disease. Therefore, it has been classified as a Variant of Uncertain Significance.

Breakthrough Genomics
Classification: Uncertain significance. Review status: criteria provided, single submitter. Criteria: ACMG Guidelines, 2015. Collection method: not provided. Allele origin: germline. Inheritance: Autosomal recessive inheritance. Affected: yes.

Institute of Human Genetics, Univ. Regensburg, Univ. Regensburg
Classification: Uncertain significance for Retinal dystrophy. Last evaluated: 2022-01-01. Review status: no assertion criteria provided. Criteria: ACMG Guidelines, 2015. Collection method: clinical testing. Allele origin: germline. Affected: yes. Not counted in ClinVar's aggregate classification.

NM_014714.4(IFT140):c.35C>T (p.Pro12Leu)

Genes: IFT140 (intraflagellar transport 140; minus strand), LOC105371046 (uncharacterized LOC105371046; plus strand). Cytogenetic location: 16p13.3.
Variant type: single nucleotide variant.
Coding change: c.35C>T on transcript NM_014714.4 (MANE Select); coding-DNA position 35, C replaced by T.
Protein change: p.Pro12Leu; replaces proline 12 with leucine.
Molecular consequence: missense variant.
Genome position (GRCh38, 1-based): chr16:1,607,232, G>A on the plus strand (C>T on the coding strand, the complement: IFT140 is on the minus strand). VCF-style: chr16-1607232-G-A. GRCh37 (hg19) VCF-style: chr16-1657233-G-A.
Other names: c.35C>T (NM_014714.3); short protein forms P12L.
Identifiers: ClinVar variation 998952 (VCV000998952.12), dbSNP rs542803163, ClinGen allele CA7814851.